The following is an entry in ClinVar:

NM_152564.5(VPS13B):c.1184C>T (p.Thr395Ile)

Gene: VPS13B (vacuolar protein sorting 13 homolog B; plus strand). Cytogenetic location: 8q22.2.
Variant type: single nucleotide variant.
Coding change: c.1184C>T on transcript NM_152564.5 (MANE Select); coding-DNA position 1184, C replaced by T.
Protein change: p.Thr395Ile; replaces threonine 395 with isoleucine.
Molecular consequence: missense variant. On other transcripts: non-coding transcript variant (1).
Genome position (GRCh38, 1-based): chr8:99,121,423, C>T. VCF-style: chr8-99121423-C-T. GRCh37 (hg19) VCF-style: chr8-100133651-C-T.
Other names: c.1184C>T, p.Thr395Ile (NM_015243.3, NM_017890.5, NM_181661.3); short protein forms T395I.
Identifiers: ClinVar variation 3343065 (VCV003343065.1).

ClinVar aggregate classification (germline): Uncertain significance (1 of 4 stars; one submission).

Submission:

GeneDx
Classification: Uncertain significance. Last evaluated: 2023-04-10. Review status: criteria provided, single submitter. Criteria: GeneDx Variant Classification Process June 2021. Collection method: clinical testing. Allele origin: germline. Affected: yes.
Comment: Not observed at significant frequency in large population cohorts (gnomAD); In silico analysis supports that this missense variant has a deleterious effect on protein structure/function; Has not been previously published as pathogenic or benign to our knowledge